The following is an entry in ClinVar:

NM_001267550.2(TTN):c.50249-15T>G

Genes: TTN (titin; minus strand), TTN-AS1 (TTN antisense RNA 1; plus strand). Cytogenetic location: 2q31.2.
Variant type: single nucleotide variant.
Coding change: c.50249-15T>G on transcript NM_001267550.2 (MANE Select); 15 bases into the intron before coding-DNA position 50249, T replaced by G.
Molecular consequence: intron variant.
Genome position (GRCh38, 1-based): chr2:178,612,177, A>C on the plus strand (T>G on the coding strand, the complement: TTN is on the minus strand). VCF-style: chr2-178612177-A-C. GRCh37 (hg19) VCF-style: chr2-179476904-A-C.
Other names: c.23054-15T>G (NM_003319.4); c.23630-15T>G (NM_133437.4); c.23429-15T>G (NM_133432.3); c.42545-15T>G (NM_133378.4); c.45326-15T>G (NM_001256850.1).
Identifiers: ClinVar variation 179240 (VCV000179240.8), dbSNP rs727504732, ClinGen allele CA184032.
Genomic context (GRCh38, chr2:178,612,177, plus strand): 5'-TTTGTCACATCAACCACTGCCAGGGCGTAGGGTGGTCCAGGAGTGGCTGAAAATAAAATA[A>C]ACAATGATTAGGAAAACCAGAGGAAAGGTGATAATCTCCTGTCACAAAAATTAAGTGCGA-3'

ClinVar aggregate classification (germline): Conflicting classifications of pathogenicity. Review status: criteria provided, conflicting classifications (1 of 4 stars). 2 submissions from 2 submitters: Uncertain significance (1); Likely benign (1). Last evaluated 2025-08-13.

Conditions:
Dilated cardiomyopathy 1G (CMD1G). Identifiers: Orphanet 154, MedGen C1858763, MONDO:0011400, OMIM 604145.
Autosomal recessive limb-girdle muscular dystrophy type 2J (LGMDR10). Also called: Limb-girdle muscular dystrophy, type 2J; MUSCULAR DYSTROPHY, LIMB-GIRDLE, AUTOSOMAL RECESSIVE 10. Identifiers: Orphanet 140922, MedGen C1837342, MONDO:0012127, OMIM 608807.

Submissions (2):

Labcorp Genetics (formerly Invitae), Labcorp
Classification: Likely benign for Dilated cardiomyopathy 1G; Autosomal recessive limb-girdle muscular dystrophy type 2J. Last evaluated: 2025-08-13. Review status: criteria provided, single submitter. Criteria: Invitae Variant Classification Sherloc (09022015). Collection method: clinical testing. Allele origin: germline.

Laboratory for Molecular Medicine, Mass General Brigham Personalized Medicine
Classification: Uncertain significance. Last evaluated: 2013-12-03. Review status: criteria provided, single submitter. Criteria: LMM Criteria. Collection method: clinical testing. Allele origin: germline. Observed: 2 variant alleles.
Comment: It was absent in large population studies. This variant is loca ted in the 3' splice region. Computational tools do not suggest an impact to spl icing. However, this information is not predictive enough to rule out pathogenic ity. In summary, additional information is needed to fully assess the clinical s ignificance of the 42545-15T>G variant.